The following is an entry in ClinVar:

ClinVar aggregate classification (germline): Uncertain significance. Review status: criteria provided, multiple submitters, no conflicts (2 of 4 stars). 2 submissions from 2 submitters: Uncertain significance (2). Last evaluated 2025-03-31.

Conditions:
Inborn genetic diseases. Identifiers: MedGen C0950123, MeSH D030342.
Epidermodysplasia verruciformis. Identifiers: Orphanet 302, MedGen C0014522, MONDO:0009176.

gnomAD v4.1: 5 of 1,614,104 alleles (0.00031%); highest among the groups gnomAD compares: Non-Finnish European, 0.00042%; no homozygotes.

Submissions (2):

Labcorp Genetics (formerly Invitae), Labcorp
Classification: Uncertain significance for Epidermodysplasia verruciformis. Last evaluated: 2025-03-31. Review status: criteria provided, single submitter. Criteria: Invitae Variant Classification Sherloc (09022015). Collection method: clinical testing. Allele origin: germline.
Comment: This sequence change replaces lysine, which is basic and polar, with threonine, which is neutral and polar, at codon 473 of the TMC8 protein (p.Lys473Thr). This variant is not present in population databases (gnomAD no frequency). This variant has not been reported in the literature in individuals affected with TMC8-related conditions. ClinVar contains an entry for this variant (Variation ID: 1424037). Invitae Evidence Modeling of protein sequence and biophysical properties (such as structural, functional, and spatial information, amino acid conservation, physicochemical variation, residue mobility, and thermodynamic stability) indicates that this missense variant is not expected to disrupt TMC8 protein function with a negative predictive value of 80%. In summary, the available evidence is currently insufficient to determine the role of this variant in disease. Therefore, it has been classified as a Variant of Uncertain Significance.

Ambry Genetics
Classification: Uncertain significance for Inborn genetic diseases. Last evaluated: 2024-08-19. Review status: criteria provided, single submitter. Criteria: Ambry Variant Classification Scheme 2023. Collection method: clinical testing. Allele origin: germline.

NM_152468.5(TMC8):c.1418A>C (p.Lys473Thr)

Gene: TMC8 (transmembrane channel like 8; plus strand). Cytogenetic location: 17q25.3.
Variant type: single nucleotide variant.
Coding change: c.1418A>C on transcript NM_152468.5 (MANE Select); coding-DNA position 1418, A replaced by C.
Protein change: p.Lys473Thr; replaces lysine 473 with threonine.
Molecular consequence: missense variant.
Genome position (GRCh38, 1-based): chr17:78,138,073, A>C. VCF-style: chr17-78138073-A-C. GRCh37 (hg19) VCF-style: chr17-76134154-A-C.
Other names: c.1418A>C (NM_152468.4); short protein forms K473T.
Identifiers: ClinVar variation 1424037 (VCV001424037.5), dbSNP rs1053461998, ClinGen allele CA401250512.